The following continues an entry in ClinVar:

NM_000492.4(CFTR):c.2249C>T (p.Pro750Leu)

Gene: CFTR. ClinVar aggregate classification (germline): Conflicting classifications of pathogenicity. Pathogenic (5); Likely pathogenic (23); Uncertain significance (4).

Submissions 7 to 14 of 35:

Ambry Genetics
Classification: Likely pathogenic for Cystic fibrosis. Last evaluated: 2025-11-24. Review status: criteria provided, single submitter. Criteria: Ambry Variant Classification Scheme 2023. Collection method: clinical testing. Allele origin: germline.
Comment: The p.P750L variant (also known as c.2249C>T), located in coding exon 14 of the CFTR gene, results from a C to T substitution at nucleotide position 2249. The proline at codon 750 is replaced by leucine, an amino acid with similar properties. This variant was first described in an individual with cystic fibrosis who was compound heterozygous for p.F508del on the other chromosome; The variant has been reported in conjunction with a CFTR pathogenic mutation in additional individuals with cystic fibrosis, as well as mildly symptomatic individuals (McGinniss MJ et al. Hum Genet, 2005 Dec;118:331-8; Calvin J et al. Arch. Dis. Child., 2012 Dec;97:1043-7, Prontera P et al. Public Health Genomics, 2016 Oct;19:336-341; De Wachter E et al. Orphanet J Rare Dis, 2017 08;12:142). This alteration has also been identified in males with congenital bilateral absence of the vas deferens (CBAVD) (Danziger KL et al. Hum. Reprod., 2004 Mar;19:540-6; Li H et al. J. Cyst. Fibros., 2012 Jul;11:316-23). However, this variant has been detected in conjunction with a pathogenic finding in this same gene in multiple individuals with no reported features of cystic fibrosis or CFTR-related disorder (Ambry internal data). Functional analysis of this variant in CFBE cells demonstrated 48% activity compared to wild type (Raraigh KS et al. Am J Hum Genet, 2018 06;102:1062-1077). The p.P750L alteration has been reported as a variant of varying clinical consequences (VVCC) (Sosnay PR et al. Pediatr. Clin. North Am., 2016 08;63:585-98; The Clinical and Functional TRanslation of CFTR (CFTR2); available at CFTR2. Accessed October 12, 2021). This amino acid position is well conserved in available vertebrate species. In addition, this alteration is predicted to be deleterious by in silico analysis. Based on available evidence to date, this variant is unlikely to be causative of classic cystic fibrosis; however, it likely contributes to the development of a CFTR-related disorder. This alteration is thus classified as likely pathogenic.

Natera, Inc.
Classification: Likely pathogenic for CFTR-related disorders. Last evaluated: 2025-10-23. Review status: criteria provided, single submitter. Criteria: Natera Variant Classification Schema (03/2026). Collection method: clinical testing. Allele origin: germline.
Comment: The c.2249C>T variant in CFTR is a missense variant predicted to cause substitution of proline to leucine at amino acid 750. This variant is rare in the general population with a frequency below the threshold expected for the associated phenotype(s). This variant has been observed in one or more individuals affected with the associated recessive disease, as either homozygous or compound heterozygous with a second variant (PMID: 10798368, 27728908, 30888834). Computational prediction algorithms indicate this variant is likely to affect gene or protein function. Given the available evidence, this variant is classified as Likely Pathogenic.

NHS Central & South Genomic Laboratory Hub
Classification: Likely pathogenic for Cystic fibrosis diagnostic test. Last evaluated: 2025-10-21. Review status: criteria provided, single submitter. Criteria: ACMG Guidelines, 2015. Collection method: clinical testing. Allele origin: germline. Affected: yes.

First Genomix Gene Laboratory, Genetic Diagnostics Department
Classification: Likely pathogenic for Congenital bilateral aplasia of vas deferens from CFTR mutation; Cystic fibrosis. Last evaluated: 2025-09-02. Review status: criteria provided, single submitter. Criteria: ACMG Guidelines, 2015. Collection method: clinical testing. Allele origin: germline. Inheritance: Autosomal recessive inheritance. Affected: no. Observed: 1 variant allele.

Women's Health and Genetics/Laboratory Corporation of America, LabCorp
Classification: Pathogenic for Cystic fibrosis. Last evaluated: 2025-09-02. Review status: criteria provided, single submitter. Criteria: LabCorp Variant Classification Summary - May 2015. Collection method: clinical testing. Allele origin: germline.
Comment: Variant summary: CFTR c.2249C>T (p.Pro750Leu) results in a non-conservative amino acid change located in the CFTR regulator domain (IPR025837) of the encoded protein sequence. Algorithms developed to predict the effect of missense changes on protein structure and function all suggest that this variant is likely to be disruptive. The variant allele was found at a frequency of 0.00029 in 252642 control chromosomes, predominantly at a frequency of 0.0006 within the Non-Finnish European subpopulation in the gnomAD database. This frequency is not significantly higher than estimated for disease-causing variants in CFTR, allowing no conclusion about variant significance.c.2249C>T has been observed in multiple individuals affected with CFTR-Related Diseases (example: Orozco_2000, Li_2012, Calvin_2012, Prontera_2016,Zou_CFTR_2022, internal data). These data indicate that the variant is very likely to be associated with disease. At least two publications report experimental evidence indicating the variant has an impact on protein function (Raraigh_2018, Bihler_2024). The most pronounced variant effect results in approximately 20% of normal chloride channel conductance relative to wild type (Bihler_2024). The CFTR2 database reports that this variant has varying consequences and that some patients with this variant and another CF-causing variant have CF while others do not. Because the clinical manifestations of CF can vary over the course of a person's lifetime, clinical correlation and follow-up are recommended. The following publications have been ascertained in the context of this evaluation (PMID: 38388235, 12007216, 21416780, 14998948, 28830496, 17272608, 22483971, 30698611, 30888834, 16189704, 26199320, 10798368, 28801929, 27728908, 29805046, 34996830, 31674704, 31672438, 19014821, 17481968, 20846557, 35109852, 29216686, 23076339).ClinVar contains an entry for this variant (Variation ID: 53460). Based on the evidence outlined above, the variant was classified as pathogenic.

ARUP Laboratories, Molecular Genetics and Genomics, ARUP Laboratories
Classification: Likely pathogenic for Cystic fibrosis; Bronchiectasis with or without elevated sweat chloride 1; Hereditary pancreatitis; Congenital bilateral aplasia of vas deferens from CFTR mutation. Last evaluated: 2025-03-17. Review status: criteria provided, single submitter. Criteria: ARUP Molecular Germline Variant Investigation Process 2024. Collection method: clinical testing. Allele origin: germline.
Comment: The CFTR c.2249C>T; p.Pro750Leu variant (rs140455771) has been reported in individuals with cystic fibrosis (CF), either with or without pancreatic insufficiency (De Wachter 2017, Orozco 2000, SickKids CFTR database, CFTR2 database). In trans to CF-causing pathogenic variants, the p.Pro750Leu variant has also been reported in individuals with congenital bilateral absence of vas deferens (Li 2012) and in individuals exhibiting borderline sweat chloride levels as part of a complex variant with p.Arg352Trp (McGinnis 2005, Soultan 2008). However, the p.Pro750Leu variant has also been found in trans to p.Phe508del in two sisters without significant lung or pancreatic symptoms (Bernat 2017). The p.Pro750Leu variant is listed in ClinVar (Variation ID: 53460) and is observed in the general population with an allele frequency of 0.028% (80/281354 alleles) in the Genome Aggregation Database. Computational analyses are uncertain whether this variant is neutral or deleterious (REVEL: 0.655). Functional assays demonstrate the p.Pro750Leu variant protein exhibits 48.6% of wildtype chloride channel activity (Raraigh 2018). Based on available information, this variant is considered to be likely pathogenic with varying clinical consequences. References: CFTR2 database: SickKids CFTR database: Bernat JA et al. Compound Heterozygosity for CFTR phe508del/Pro750Leu in Two Siblings with Normal Sweat Chloride, Lung Function, Growth, and Fecal Elastase. J Pulm Med Respir Res 2017 Jun 8;3:010. De Wachter E et al. What can the CF registry tell us about rare CFTR-mutations? A Belgian study. Orphanet J Rare Dis. 2017 Aug 22;12(1):142. PMID: 28830496. Li H et al. Mutations in the cystic fibrosis transmembrane conductance regulator (CFTR) in Chinese patients with congenital bilateral absence of vas deferens. J Cyst Fibros. 2012; 11(4):316-23. PMID: 22483971. McGinniss M et al. Extensive sequencing of the CFTR gene: lessons learned from the first 157 patient samples. Hum Genet. 2005; 118(3-4):331-8. PMID: 16189704. Orozco L et al. Spectrum of CFTR mutations in Mexican cystic fibrosis patients: identification of five novel mutations (W1098C, 846delT, P750L, 4160insGGGG and 297-1G-->A). Hum Genet. 2000; 106(3):360-5. PMID: 10798368. Raraigh KS et al. Functional Assays Are Essential for Interpretation of Missense Variants Associated with Variable Expressivity. Am J Hum Genet. 2018 Jun 7;102(6):1062-1077. PMID: 29805046. Soultan Z et al. Sweat chloride testing in infants identified as heterozygote carriers by newborn screening. J Pediatr. 2008; 153(6):857-9. PMID: 19014821.

Quest Diagnostics Nichols Institute San Juan Capistrano
Classification: Likely pathogenic. Last evaluated: 2025-03-03. Review status: criteria provided, single submitter. Criteria: Quest Diagnostics criteria. Collection method: clinical testing. Allele origin: unknown.
Comment: The CFTR c.2249C>T (p.Pro750Leu) variant has been reported in the published in individuals with cystic fibrosis (CF) who carried a CF-causing pathogenic variant on the opposite chromosome, some with mild symptoms (PMIDs: 37818777 (2024), 28830496 (2017), 27728908 (2016), 23076339 (2012), 19014821 (2008), 10798368 (2000)). This variant has also been reported in individuals with CFTR-related disorders (PMIDs: 35109852 (2022), 34996830 (2022), 22483971 (2012), 20846557 (2010), 14998948 (2004)), and in individuals with positive newborn screening results but inconclusive CF diagnosis and/or normal presentations (J Pulm Med Respir Res (2017)3:010, and PMIDs: 39553608 (2024), 36409994 (2022)). A functional study indicates this variant has approximately 49% of wild type CFTR function (PMID: 29805046 (2018)). The frequency of this variant in the general population (Genome Aggregation Database) is uninformative in the assessment of its pathogenicity. Analysis of this variant using bioinformatics tools (i.e., MutationTaster and PolyPhen-2) for the prediction of the effect of amino acid changes on protein structure and function yielded conflicting predictions that this variant is deleterious or benign. Based on the available information, this variant is classified as likely pathogenic.

Blueprint Genetics
Classification: Likely pathogenic for CFTR-related disorders. Last evaluated: 2024-11-22. Review status: criteria provided, single submitter. Criteria: ACMG Guidelines, 2015. Collection method: clinical testing. Allele origin: germline. Affected: yes. Observed: 5 variant alleles.